The following is an entry in ClinVar:

ClinVar aggregate classification (germline): Pathogenic. Review status: criteria provided, multiple submitters, no conflicts (2 of 4 stars). 2 submissions from 2 submitters: Pathogenic (2). Last evaluated 2025-02-12.

Conditions:
Cortical dysplasia-focal epilepsy syndrome (PTHSL1). Also called: Pitt-Hopkins-like syndrome 1. Identifiers: Orphanet 163681, Orphanet 221150, MedGen C2750246, MONDO:0012400, OMIM 610042.

Submissions (2):

Labcorp Genetics (formerly Invitae), Labcorp
Classification: Pathogenic for Cortical dysplasia-focal epilepsy syndrome. Last evaluated: 2025-02-12. Review status: criteria provided, single submitter. Criteria: Invitae Variant Classification Sherloc (09022015). Collection method: clinical testing. Allele origin: germline.
Comment: This sequence change creates a premature translational stop signal (p.Trp184*) in the CNTNAP2 gene. It is expected to result in an absent or disrupted protein product. Loss-of-function variants in CNTNAP2 are known to be pathogenic (PMID: 19896112, 21827697, 25045150, 26843181, 27439707). This variant is not present in population databases (gnomAD no frequency). This premature translational stop signal has been observed in individual(s) with clinical features of CNTNAP2-related conditions (PMID: 33528079). ClinVar contains an entry for this variant (Variation ID: 1526249). For these reasons, this variant has been classified as Pathogenic.

3billion
Classification: Pathogenic for Cortical dysplasia-focal epilepsy syndrome. Last evaluated: 2022-03-22. Review status: criteria provided, single submitter. Criteria: ACMG Guidelines, 2015. Collection method: clinical testing. Allele origin: germline. Affected: yes. Observed: 1 homozygote.
Comment: Stop-gained (nonsense): predicted to result in a loss or disruption of normal protein function through nonsense-mediated decay (NMD) or protein truncation. Multiple pathogenic variants are reported downstream of the variant.It is not observed in the gnomAD v2.1.1 dataset. Therefore, this variant is classified as pathogenic according to the recommendation of ACMG/AMP guideline.

Literature cited by the submitters: PubMed 19896112 (cited by Labcorp Genetics (formerly Invitae), Labcorp); PubMed 21827697 (cited by Labcorp Genetics (formerly Invitae), Labcorp); PubMed 25045150 (cited by Labcorp Genetics (formerly Invitae), Labcorp); PubMed 26843181 (cited by Labcorp Genetics (formerly Invitae), Labcorp); PubMed 27439707 (cited by Labcorp Genetics (formerly Invitae), Labcorp); PubMed 33528079 (cited by Labcorp Genetics (formerly Invitae), Labcorp).

NM_014141.6(CNTNAP2):c.551G>A (p.Trp184Ter)

Gene: CNTNAP2 (contactin associated protein 2; plus strand). Cytogenetic location: 7q35.
Variant type: single nucleotide variant.
Coding change: c.551G>A on transcript NM_014141.6 (MANE Select); coding-DNA position 551, G replaced by A.
Protein change: p.Trp184Ter; replaces tryptophan 184 with a stop codon.
Molecular consequence: nonsense.
Genome position (GRCh38, 1-based): chr7:147,108,147, G>A. VCF-style: chr7-147108147-G-A. GRCh37 (hg19) VCF-style: chr7-146805239-G-A.
Other names: short protein forms W184*.
Identifiers: ClinVar variation 1526249 (VCV001526249.2), dbSNP rs2129279519, ClinGen allele CA369922918.